The following is an entry in ClinVar:

NM_002890.3(RASA1):c.67G>A (p.Ala23Thr)

Gene: RASA1 (RAS p21 protein activator 1; plus strand). Cytogenetic location: 5q14.3.
Variant type: single nucleotide variant.
Coding change: c.67G>A on transcript NM_002890.3 (MANE Select); coding-DNA position 67, G replaced by A.
Protein change: p.Ala23Thr; replaces alanine 23 with threonine.
Molecular consequence: missense variant.
Genome position (GRCh38, 1-based): chr5:87,268,518, G>A. VCF-style: chr5-87268518-G-A. GRCh37 (hg19) VCF-style: chr5-86564335-G-A.
Other names: short protein forms A23T.
Identifiers: ClinVar variation 2568104 (VCV002568104.3), dbSNP rs2531002115, ClinGen allele CA360416714.
Genomic context (GRCh38, chr5:87,268,518, plus strand): 5'-GCGGCCGAGGCCGGCAGTGAGGAGGGCGGCCCGGTAACAGCCGGAGCTGGAGGAGGCGGC[G>A]CGGCAGCGGGCTCCAGTGCCTATCCCGCAGTGTGTCGGGTGAAGATACCCGCGGCCCTGC-3'
Protein context (NP_002881.1, residues 13-33): PVTAGAGGGG[Ala23Thr]AAGSSAYPAV

ClinVar aggregate classification (germline): Uncertain significance. Review status: criteria provided, multiple submitters, no conflicts (2 of 4 stars). 2 submissions from 2 submitters: Uncertain significance (2). Last evaluated 2025-03-17.

Conditions:
Cardiovascular phenotype. Identifiers: MedGen CN230736.
Capillary malformation-arteriovenous malformation syndrome. Also called: Capillary malformation-arteriovenous malformation. Identifiers: Orphanet 137667, MedGen C1842180, MONDO:0012016.

Submissions (2):

Labcorp Genetics (formerly Invitae), Labcorp
Classification: Uncertain significance for Capillary malformation-arteriovenous malformation syndrome. Last evaluated: 2025-03-17. Review status: criteria provided, single submitter. Criteria: Invitae Variant Classification Sherloc (09022015). Collection method: clinical testing. Allele origin: germline.
Comment: This sequence change replaces alanine, which is neutral and non-polar, with threonine, which is neutral and polar, at codon 23 of the RASA1 protein (p.Ala23Thr). This variant is not present in population databases (gnomAD no frequency). This variant has not been reported in the literature in individuals affected with RASA1-related conditions. ClinVar contains an entry for this variant (Variation ID: 2568104). An algorithm developed to predict the effect of missense changes on protein structure and function (PolyPhen-2) suggests that this variant is likely to be disruptive. In summary, the available evidence is currently insufficient to determine the role of this variant in disease. Therefore, it has been classified as a Variant of Uncertain Significance.

Ambry Genetics
Classification: Uncertain significance for Cardiovascular phenotype. Last evaluated: 2023-03-27. Review status: criteria provided, single submitter. Criteria: Ambry Variant Classification Scheme 2023. Collection method: clinical testing. Allele origin: germline.
Comment: The p.A23T variant (also known as c.67G>A), located in coding exon 1 of the RASA1 gene, results from a G to A substitution at nucleotide position 67. The alanine at codon 23 is replaced by threonine, an amino acid with similar properties. This amino acid position is conserved. In addition, this alteration is predicted to be tolerated by in silico analysis. Since supporting evidence is limited at this time, the clinical significance of this alteration remains unclear.